The following is an entry in ClinVar:

ClinVar aggregate classification (germline): Benign (0 of 4 stars; one submission).

Conditions:
HACL1-related disorder. Also called: HACL1-related condition.

Allele frequency attached by ClinVar (database versions not stated): ESP Exome Variant Server 0.03707; gnomAD 0.03773; ExAC 0.03879; gnomAD exomes 0.04756; 1000 Genomes Project 0.01518; 1000 Genomes Project 30x 0.01530; TOPMed 0.03138.
gnomAD v4.1: 72,744 of 1,570,510 alleles (4.6%); highest among the groups gnomAD compares: Non-Finnish European, 5.4%; 2,090 homozygotes.

Submissions (24):

PreventionGenetics, part of Exact Sciences
Classification: Benign for HACL1-related condition. Last evaluated: 2019-07-30. Review status: no assertion criteria provided. Collection method: clinical testing. Allele origin: germline.
Comment: This variant is classified as benign based on ACMG/AMP sequence variant interpretation guidelines (Richards et al. 2015 PMID: 25741868, with internal and published modifications).

Dr. Peter K. Rogan Lab, Western University
No classification provided (evidence only). Condition: Melanoma. Review status: no classification provided. Collection method: in vitro. Allele origin: not applicable. Functional consequence: skipped exon, retained intron. Not counted in ClinVar's aggregate classification.

Dr. Peter K. Rogan Lab, Western University
No classification provided (evidence only). Condition: Melanoma. Review status: no classification provided. Collection method: in vitro. Allele origin: not applicable. Functional consequence: skipped exon, retained intron. Not counted in ClinVar's aggregate classification.

Dr. Peter K. Rogan Lab, Western University
No classification provided (evidence only). Condition: Melanoma. Review status: no classification provided. Collection method: in vitro. Allele origin: not applicable. Functional consequence: skipped exon. Not counted in ClinVar's aggregate classification.

Dr. Peter K. Rogan Lab, Western University
No classification provided (evidence only). Condition: Melanoma. Review status: no classification provided. Collection method: in vitro. Allele origin: not applicable. Functional consequence: skipped exon. Not counted in ClinVar's aggregate classification.

Dr. Peter K. Rogan Lab, Western University
No classification provided (evidence only). Condition: Melanoma. Review status: no classification provided. Collection method: in vitro. Allele origin: not applicable. Functional consequence: skipped exon, retained intron. Not counted in ClinVar's aggregate classification.

Dr. Peter K. Rogan Lab, Western University
No classification provided (evidence only). Condition: Acute myeloid leukemia. Review status: no classification provided. Collection method: in vitro. Allele origin: not applicable. Functional consequence: retained intron. Not counted in ClinVar's aggregate classification.

Dr. Peter K. Rogan Lab, Western University
No classification provided (evidence only). Condition: Acute myeloid leukemia. Review status: no classification provided. Collection method: in vitro. Allele origin: not applicable. Functional consequence: retained intron. Not counted in ClinVar's aggregate classification.

Dr. Peter K. Rogan Lab, Western University
No classification provided (evidence only). Condition: Colon adenocarcinoma. Review status: no classification provided. Collection method: in vitro. Allele origin: not applicable. Functional consequence: retained intron. Not counted in ClinVar's aggregate classification.

Dr. Peter K. Rogan Lab, Western University
No classification provided (evidence only). Condition: Colon adenocarcinoma. Review status: no classification provided. Collection method: in vitro. Allele origin: not applicable. Functional consequence: retained intron. Not counted in ClinVar's aggregate classification.

Dr. Peter K. Rogan Lab, Western University
No classification provided (evidence only). Condition: Colon adenocarcinoma. Review status: no classification provided. Collection method: in vitro. Allele origin: not applicable. Functional consequence: skipped exon, retained intron. Not counted in ClinVar's aggregate classification.

Dr. Peter K. Rogan Lab, Western University
No classification provided (evidence only). Condition: Colon adenocarcinoma. Review status: no classification provided. Collection method: in vitro. Allele origin: not applicable. Functional consequence: skipped exon. Not counted in ClinVar's aggregate classification.

Dr. Peter K. Rogan Lab, Western University
No classification provided (evidence only). Condition: Colorectal cancer. Review status: no classification provided. Collection method: in vitro. Allele origin: not applicable. Functional consequence: skipped exon, retained intron. Not counted in ClinVar's aggregate classification.

Dr. Peter K. Rogan Lab, Western University
No classification provided (evidence only). Condition: Uterine corpus endometrial carcinoma. Review status: no classification provided. Collection method: in vitro. Allele origin: not applicable. Functional consequence: retained intron. Not counted in ClinVar's aggregate classification.

Dr. Peter K. Rogan Lab, Western University
No classification provided (evidence only). Condition: Uterine corpus endometrial carcinoma. Review status: no classification provided. Collection method: in vitro. Allele origin: not applicable. Functional consequence: skipped exon. Not counted in ClinVar's aggregate classification.

Dr. Peter K. Rogan Lab, Western University
No classification provided (evidence only). Condition: Uterine corpus endometrial carcinoma. Review status: no classification provided. Collection method: in vitro. Allele origin: not applicable. Functional consequence: skipped exon. Not counted in ClinVar's aggregate classification.

Dr. Peter K. Rogan Lab, Western University
No classification provided (evidence only). Condition: Sarcoma. Review status: no classification provided. Collection method: in vitro. Allele origin: not applicable. Functional consequence: skipped exon, retained intron. Not counted in ClinVar's aggregate classification.

Dr. Peter K. Rogan Lab, Western University
No classification provided (evidence only). Condition: Sarcoma. Review status: no classification provided. Collection method: in vitro. Allele origin: not applicable. Functional consequence: retained intron. Not counted in ClinVar's aggregate classification.

Dr. Peter K. Rogan Lab, Western University
No classification provided (evidence only). Condition: Malignant lymphoma, large B-cell, diffuse. Review status: no classification provided. Collection method: in vitro. Allele origin: not applicable. Functional consequence: retained intron. Not counted in ClinVar's aggregate classification.

Dr. Peter K. Rogan Lab, Western University
No classification provided (evidence only). Condition: Nonpapillary renal cell carcinoma. Review status: no classification provided. Collection method: in vitro. Allele origin: not applicable. Functional consequence: skipped exon, retained intron. Not counted in ClinVar's aggregate classification.

Dr. Peter K. Rogan Lab, Western University
No classification provided (evidence only). Condition: Nonpapillary renal cell carcinoma. Review status: no classification provided. Collection method: in vitro. Allele origin: not applicable. Functional consequence: skipped exon. Not counted in ClinVar's aggregate classification.

Dr. Peter K. Rogan Lab, Western University
No classification provided (evidence only). Condition: Thymoma. Review status: no classification provided. Collection method: in vitro. Allele origin: not applicable. Functional consequence: skipped exon. Not counted in ClinVar's aggregate classification.

Dr. Peter K. Rogan Lab, Western University
No classification provided (evidence only). Condition: Thymoma. Review status: no classification provided. Collection method: in vitro. Allele origin: not applicable. Functional consequence: retained intron. Not counted in ClinVar's aggregate classification.

Dr. Peter K. Rogan Lab, Western University
No classification provided (evidence only). Condition: Germ cell tumor of testis. Review status: no classification provided. Collection method: in vitro. Allele origin: not applicable. Functional consequence: retained intron. Not counted in ClinVar's aggregate classification.

NM_012260.4(HACL1):c.451A>T (p.Ile151Phe)

Gene: HACL1 (2-hydroxyacyl-CoA lyase 1; minus strand). Cytogenetic location: 3p25.1.
Variant type: single nucleotide variant.
Coding change: c.451A>T on transcript NM_012260.4 (MANE Select); coding-DNA position 451, A replaced by T.
Protein change: p.Ile151Phe; replaces isoleucine 151 with phenylalanine.
Molecular consequence: missense variant. On other transcripts: non-coding transcript variant (1), intron variant (2).
Genome position (GRCh38, 1-based): chr3:15,586,533, T>A on the plus strand (A>T on the coding strand, the complement: HACL1 is on the minus strand). VCF-style: chr3-15586533-T-A. GRCh37 (hg19) VCF-style: chr3-15628040-T-A.
Other names: NC_000003.11:g.15628040T>A; c.370A>T, p.Ile124Phe (NM_001284413.2); c.309-3544A>T (NM_001284416.2); c.382-1191A>T (NM_001284415.2); short protein forms I124F, I151F.
Identifiers: ClinVar variation 3056898 (VCV003056898.3), dbSNP rs74637339, ClinGen allele CA2276907.